The following is an entry in ClinVar:

ClinVar aggregate classification (germline): Uncertain significance (1 of 4 stars; one submission).

gnomAD v4.1: 1 of 1,612,200 alleles (0.000062%); highest among the groups gnomAD compares: Non-Finnish European, 0.000085%; no homozygotes.

Submission:

Labcorp Genetics (formerly Invitae), Labcorp
Classification: Uncertain significance. Last evaluated: 2025-12-17. Review status: criteria provided, single submitter. Criteria: Invitae Variant Classification Sherloc (09022015). Collection method: clinical testing. Allele origin: germline.
Comment: This sequence change replaces methionine, which is neutral and non-polar, with lysine, which is basic and polar, at codon 662 of the MYO7A protein (p.Met662Lys). This variant is not present in population databases (gnomAD no frequency). This variant has not been reported in the literature in individuals affected with MYO7A-related conditions. Invitae Evidence Modeling of protein sequence and biophysical properties (such as structural, functional, and spatial information, amino acid conservation, physicochemical variation, residue mobility, and thermodynamic stability) indicates that this missense variant is expected to disrupt MYO7A protein function with a positive predictive value of 95%. In summary, the available evidence is currently insufficient to determine the role of this variant in disease. Therefore, it has been classified as a Variant of Uncertain Significance.

NM_000260.4(MYO7A):c.1985T>A (p.Met662Lys)

Gene: MYO7A (myosin VIIA; plus strand). Cytogenetic location: 11q13.5.
Variant type: single nucleotide variant.
Coding change: c.1985T>A on transcript NM_000260.4 (MANE Select); coding-DNA position 1985, T replaced by A.
Protein change: p.Met662Lys; replaces methionine 662 with lysine.
Molecular consequence: missense variant.
Genome position (GRCh38, 1-based): chr11:77,174,805, T>A. VCF-style: chr11-77174805-T-A. GRCh37 (hg19) VCF-style: chr11-76885851-T-A.
Other names: c.1985T>A, p.Met662Lys (NM_001127180.2); c.1952T>A, p.Met651Lys (NM_001369365.1); short protein forms M651K, M662K.
Identifiers: ClinVar variation 4800479 (VCV004800479.1).